The following is an entry in ClinVar:

NM_000016.6(ACADM):c.1019C>T (p.Ala340Val)

Gene: ACADM (acyl-CoA dehydrogenase medium chain; plus strand). Cytogenetic location: 1p31.1.
Variant type: single nucleotide variant.
Coding change: c.1019C>T on transcript NM_000016.6 (MANE Select); coding-DNA position 1019, C replaced by T.
Protein change: p.Ala340Val; replaces alanine 340 with valine.
Molecular consequence: missense variant.
Genome position (GRCh38, 1-based): chr1:75,761,195, C>T. VCF-style: chr1-75761195-C-T. GRCh37 (hg19) VCF-style: chr1-76226880-C-T.
Other names: p.Ala340Val; c.1031C>T, p.Ala344Val (NM_001127328.3); c.911C>T, p.Ala304Val (NM_001286042.2); c.1118C>T, p.Ala373Val (NM_001286043.2); c.452C>T, p.Ala151Val (NM_001286044.2); c.1019C>T (NM_000016.4, NM_000016.5); short protein forms A340V, A373V, A151V, A304V, A344V.
Identifiers: ClinVar variation 280945 (VCV000280945.16), dbSNP rs886042054, ClinGen allele CA10603747.

ClinVar aggregate classification (germline): Uncertain significance. Review status: criteria provided, multiple submitters, no conflicts (2 of 4 stars). 6 submissions from 6 submitters: Uncertain significance (5). 1 of the submissions does not count toward it. Last evaluated 2024-07-30.

Conditions:
Inborn genetic diseases. Identifiers: MedGen C0950123, MeSH D030342.
Medium-chain acyl-coenzyme A dehydrogenase deficiency (ACADMD). Also called: MCAD Deficiency; MCADH DEFICIENCY; Medium chain acyl-CoA dehydrogenase deficiency; MCADD; ACADM DEFICIENCY; CARNITINE DEFICIENCY SECONDARY TO MEDIUM-CHAIN ACYL-CoA DEHYDROGENASE DEFICIENCY. Identifiers: Orphanet 42, MedGen C0220710, MONDO:0008721, OMIM 201450.

Allele frequency attached by ClinVar (database versions not stated): gnomAD 0.00001; TOPMed 0.00001.

Submissions (6):

GeneDx
Classification: Uncertain significance. Last evaluated: 2024-07-30. Review status: criteria provided, single submitter. Criteria: GeneDx Variant Classification Process June 2021. Collection method: clinical testing. Allele origin: germline. Affected: yes.
Comment: Not observed at significant frequency in large population cohorts (gnomAD); In silico analysis supports that this missense variant has a deleterious effect on protein structure/function; Has not been previously published as pathogenic or benign to our knowledge

Mayo Clinic Laboratories, Mayo Clinic
Classification: Uncertain significance. Last evaluated: 2024-06-10. Review status: criteria provided, single submitter. Criteria: ACMG Guidelines, 2015. Collection method: clinical testing. Allele origin: germline. Observed: 1 variant allele.
Comment: PP3, PM2

Ambry Genetics
Classification: Uncertain significance for Inborn genetic diseases. Last evaluated: 2021-08-23. Review status: criteria provided, single submitter. Criteria: Ambry Variant Classification Scheme 2023. Collection method: clinical testing. Allele origin: germline.

ARUP Laboratories, Molecular Genetics and Genomics, ARUP Laboratories
Classification: Uncertain significance. Last evaluated: 2018-01-23. Review status: criteria provided, single submitter. Criteria: ARUP Molecular Germline Variant Investigation Process. Collection method: clinical testing. Allele origin: germline.
Comment: The ACADM c.1019C>T; p.Ala340Val variant (rs886042054), to our knowledge, is not reported in the medical literature or in gene-specific databases. The variant is listed in the ClinVar database (Variation ID: 280945). The variant is also listed in the Genome Aggregation Database in 1 out of 30966 alleles. The alanine at this position is well conserved across species and computational algorithms (PolyPhen2, SIFT) predict this variant is deleterious. Considering available information, there is insufficient evidence to classify this variant.

Eurofins Ntd Llc (ga)
Classification: Uncertain significance. Last evaluated: 2015-10-22. Review status: criteria provided, single submitter. Criteria: EGL Classification Definitions 2015. Collection method: clinical testing. Allele origin: germline. Observed: 1 variant allele, 1 heterozygote.

Natera, Inc.
Classification: Uncertain significance for Medium Chain Acyl-CoA Dehydrogenase Deficiency. Last evaluated: 2018-12-26. Review status: no assertion criteria provided. Collection method: clinical testing. Allele origin: germline. Not counted in ClinVar's aggregate classification.

Literature cited by the submitters: PubMed 27308838 (cited by Ambry Genetics).